The following is an entry in ClinVar:

ClinVar aggregate classification (germline): Pathogenic/Likely pathogenic. Review status: criteria provided, multiple submitters, no conflicts (2 of 4 stars). 5 submissions from 5 submitters: Pathogenic (3); Likely pathogenic (2). Last evaluated 2024-07-11.

Conditions:
Hereditary cancer-predisposing syndrome. Also called: Neoplastic Syndromes, Hereditary; Hereditary Cancer Syndrome; Tumor predisposition; Hereditary neoplastic syndrome. Identifiers: Orphanet 140162, MedGen C0027672, MeSH D009386, MONDO:0015356.
Familial cancer of breast. Also called: BREAST CANCER, FAMILIAL; hereditary breast carcinoma; Hereditary breast cancer. Identifiers: Orphanet 227535, MedGen C0346153, MONDO:0016419, OMIM 114480. Disease mechanism: loss of function.
Ataxia-telangiectasia syndrome (AT). Also called: Ataxia-telangiectasia, complementation group D; AT, COMPLEMENTATION GROUP C; Ataxia-telangiectasia; ATAXIA-TELANGIECTASIA, COMPLEMENTATION GROUP A; ATAXIA-TELANGIECTASIA, FRESNO VARIANT; Ataxia-telangiectasia, complementation group E. Identifiers: Orphanet 100, MedGen C0004135, MONDO:0008840, OMIM 208900.

Allele frequency attached by ClinVar (database versions not stated): gnomAD exomes below 0.00001.

Submissions (5):

Labcorp Genetics (formerly Invitae), Labcorp
Classification: Pathogenic for Ataxia-telangiectasia syndrome. Last evaluated: 2024-07-11. Review status: criteria provided, single submitter. Criteria: Invitae Variant Classification Sherloc (09022015). Collection method: clinical testing. Allele origin: germline.
Comment: This sequence change creates a premature translational stop signal (p.Gln3038Argfs*3) in the ATM gene. While this is not anticipated to result in nonsense mediated decay, it is expected to disrupt the last 19 amino acid(s) of the ATM protein. This variant is not present in population databases (gnomAD no frequency). This premature translational stop signal has been observed in individual(s) with breast cancer (PMID: 26681312). ClinVar contains an entry for this variant (Variation ID: 127470). This variant disrupts a region of the ATM protein in which other variant(s) (p.Arg3047*) have been determined to be pathogenic (PMID: 8755918, 10980530, 18560558, 19431188, 19691550, 26628246; Invitae). This suggests that this is a clinically significant region of the protein, and that variants that disrupt it are likely to be disease-causing. For these reasons, this variant has been classified as Pathogenic.

Ambry Genetics
Classification: Likely pathogenic for Hereditary cancer-predisposing syndrome. Last evaluated: 2024-05-30. Review status: criteria provided, single submitter. Criteria: Ambry Variant Classification Scheme 2023. Collection method: clinical testing. Allele origin: germline.
Comment: The c.9112delC variant, located in coding exon 62 of the ATM gene, results from a deletion of one nucleotide at nucleotide position 9112, causing a translational frameshift with a predicted alternate stop codon (p.Q3038Rfs*3). This alteration occurs at the 3' terminus of theATM gene, is not expected to trigger nonsense-mediated mRNA decay, and only impacts the last 19 amino acids of the protein. However, premature stop codons are typically deleterious in nature and the impacted region is critical for protein function (Ambry internal data). This variant is considered to be rare based on population cohorts in the Genome Aggregation Database (gnomAD). Based on the majority of available evidence to date, this variant is likely to be pathogenic.

Myriad Genetics, Inc.
Classification: Pathogenic for Familial cancer of breast. Last evaluated: 2024-02-06. Review status: criteria provided, single submitter. Criteria: Myriad Autosomal Dominant, Autosomal Recessive and X-Linked Classification Criteria (2023). Collection method: clinical testing. Allele origin: unknown.
Comment: This variant is considered pathogenic. This variant creates a frameshift predicted to result in premature protein truncation.

GeneDx
Classification: Pathogenic. Last evaluated: 2024-01-30. Review status: criteria provided, single submitter. Criteria: GeneDx Variant Classification Process June 2021. Collection method: clinical testing. Allele origin: germline. Affected: yes.
Comment: Frameshift variant predicted to result in protein truncation in a gene for which loss of function is a known mechanism of disease; Not observed at significant frequency in large population cohorts (gnomAD); Truncating variants in this gene are considered pathogenic by a well-established clinical consortium and/or database; Observed in individual(s) with breast cancer (PMID: 26681312); This variant is associated with the following publications: (PMID: 26681312, 23532176)

Baylor Genetics
Classification: Likely pathogenic for Familial cancer of breast. Last evaluated: 2023-11-20. Review status: criteria provided, single submitter. Criteria: ACMG Guidelines, 2015. Collection method: clinical testing. Allele origin: unknown.

Literature cited by the submitters: PubMed 26681312 (cited by Labcorp Genetics (formerly Invitae), Labcorp); PubMed 8755918 (cited by Labcorp Genetics (formerly Invitae), Labcorp); PubMed 10980530 (cited by Labcorp Genetics (formerly Invitae), Labcorp); PubMed 18560558 (cited by Labcorp Genetics (formerly Invitae), Labcorp); PubMed 19431188 (cited by Labcorp Genetics (formerly Invitae), Labcorp); PubMed 19691550 (cited by Labcorp Genetics (formerly Invitae), Labcorp); PubMed 26628246 (cited by Labcorp Genetics (formerly Invitae), Labcorp).

NM_000051.4(ATM):c.9112del (p.Gln3038fs)

Genes: ATM (ATM serine/threonine kinase; plus strand), C11orf65 (chromosome 11 open reading frame 65; minus strand). Cytogenetic location: 11q22.3.
Variant type: Deletion.
Coding change: c.9112del on transcript NM_000051.4 (MANE Select); coding-DNA position 9112, one base deleted (C; older notation c.9112delC).
Protein change: p.Gln3038fs; shifts the reading frame from glutamine 3038.
Molecular consequence: frameshift variant. On other transcripts: intron variant (2).
Genome position (GRCh38, 1-based): chr11:108,365,449, C deleted. VCF-style (leftmost placement, unchanged base first): chr11-108365448-GC-G. GRCh37 (hg19) VCF-style: chr11-108236175-GC-G.
Other names: c.9112del (NM_000051.3); c.9112del, p.Gln3038fs (NM_001351834.2); c.640+20471del (NM_001330368.2); c.694+20471del (NM_001351110.2); short protein forms Q3038fs.
Identifiers: ClinVar variation 127470 (VCV000127470.13), dbSNP rs587779878, ClinGen allele CA287048.
Genomic context (GRCh38, chr11:108,365,448, plus strand): 5'-GAAAGGAGTGGAAGAAGGCACTGTGCTCAGTGTTGGTGGACAAGTGAATTTGCTCATACA[GC>G]AGGCCATAGACCCCAAAAATCTCAGCCGACTTTTCCCAGGATGGAAAGCTTGGGTGTGAT-3'